The following is an entry in ClinVar:

NM_001110556.2(FLNA):c.1675C>T (p.Gln559Ter)

Gene: FLNA (filamin A; minus strand). Cytogenetic location: Xq28.
Variant type: single nucleotide variant.
Coding change: c.1675C>T on transcript NM_001110556.2 (MANE Select); coding-DNA position 1675, C replaced by T.
Protein change: p.Gln559Ter; replaces glutamine 559 with a stop codon.
Molecular consequence: nonsense.
Genome position (GRCh38, 1-based): chrX:154,365,152, G>A on the plus strand (C>T on the coding strand, the complement: FLNA is on the minus strand). VCF-style: chrX-154365152-G-A. GRCh37 (hg19) VCF-style: chrX-153593520-G-A.
Other names: c.1675C>T, p.Gln559Ter (NM_001456.4); short protein forms Q559*.
Identifiers: ClinVar variation 2662833 (VCV002662833.2), dbSNP rs2522756775, ClinGen allele CA415243053.
Genomic context (GRCh38, chrX:154,365,152, plus strand): 5'-GGCAGAGTGTGCAGAGCTGGGAGAGGGATGCCTGGGGGCCTCACCTGCGCCCGATGTTCT[G>A]ACCACCCCACGTGATGGTGACGATATAGGTTCCAGGGACCATGGGGTAATACTCGAAGCC-3'

ClinVar aggregate classification (germline): Pathogenic (1 of 4 stars; one submission).

Submission:

GeneDx
Classification: Pathogenic. Last evaluated: 2025-01-28. Review status: criteria provided, single submitter. Criteria: GeneDx Variant Classification Process June 2021. Collection method: clinical testing. Allele origin: germline.
Comment: Nonsense variant predicted to result in protein truncation or nonsense mediated decay in a gene for which loss of function is a known mechanism of disease; Not observed at significant frequency in large population cohorts (gnomAD); Has not been previously published as pathogenic or benign to our knowledge